The following is an entry in ClinVar:

ClinVar aggregate classification (germline): Uncertain significance. Review status: criteria provided, multiple submitters, no conflicts (2 of 4 stars). 5 submissions from 5 submitters: Uncertain significance (5). Last evaluated 2026-01-07.

Conditions:
CNGB1-related disorder. Also called: CNGB1-related condition.
Inborn genetic diseases. Identifiers: MedGen C0950123, MeSH D030342.

Allele frequency attached by ClinVar (database versions not stated): TOPMed 0.00006.
gnomAD v4.1: 37 of 1,613,840 alleles (0.0023%); highest among the groups gnomAD compares: Middle Eastern, 0.033%; no homozygotes.

Submissions (5):

PreventionGenetics, part of Exact Sciences
Classification: Uncertain significance for CNGB1-related condition. Last evaluated: 2026-01-07. Review status: criteria provided, single submitter. Criteria: ACMG Guidelines, 2015. Collection method: clinical testing. Allele origin: germline.
Comment: The CNGB1 c.2333G>A variant is predicted to result in the amino acid substitution p.Arg778His. To our knowledge, this variant has not been previously reported in an individual with an established CNGB1-related disease. However, this variant was reported in an individual with developmental disorder (supplementary data, Kaplanis et al. 2020. PubMed ID: 33057194). This variant is reported in 0.029% of alleles in individuals of Latino descent in gnomAD. At this time, the clinical significance of this variant is uncertain due to the absence of conclusive functional and genetic evidence.

Ambry Genetics
Classification: Uncertain significance for Inborn genetic diseases. Last evaluated: 2025-07-15. Review status: criteria provided, single submitter. Criteria: Ambry Variant Classification Scheme 2023. Collection method: clinical testing. Allele origin: germline.

Blueprint Genetics
Classification: Uncertain significance. Last evaluated: 2024-06-18. Review status: criteria provided, single submitter. Criteria: ACMG Guidelines, 2015. Collection method: clinical testing. Allele origin: germline.

GeneDx
Classification: Uncertain significance. Last evaluated: 2023-05-04. Review status: criteria provided, single submitter. Criteria: GeneDx Variant Classification Process June 2021. Collection method: clinical testing. Allele origin: germline. Affected: yes.
Comment: In silico analysis supports that this missense variant has a deleterious effect on protein structure/function; Has not been previously published as pathogenic or benign to our knowledge

Labcorp Genetics (formerly Invitae), Labcorp
Classification: Uncertain significance. Last evaluated: 2022-11-08. Review status: criteria provided, single submitter. Criteria: Invitae Variant Classification Sherloc (09022015). Collection method: clinical testing. Allele origin: germline.
Comment: In summary, the available evidence is currently insufficient to determine the role of this variant in disease. Therefore, it has been classified as a Variant of Uncertain Significance. Algorithms developed to predict the effect of missense changes on protein structure and function are either unavailable or do not agree on the potential impact of this missense change (SIFT: "Deleterious"; PolyPhen-2: "Benign"; Align-GVGD: "Class C0"). ClinVar contains an entry for this variant (Variation ID: 844288). This variant has not been reported in the literature in individuals affected with CNGB1-related conditions. This variant is present in population databases (rs374491029, gnomAD 0.03%). This sequence change replaces arginine, which is basic and polar, with histidine, which is basic and polar, at codon 778 of the CNGB1 protein (p.Arg778His).

NM_001297.5(CNGB1):c.2333G>A (p.Arg778His)

Gene: CNGB1 (cyclic nucleotide gated channel subunit beta 1; minus strand). Cytogenetic location: 16q21.
Variant type: single nucleotide variant.
Coding change: c.2333G>A on transcript NM_001297.5 (MANE Select); coding-DNA position 2333, G replaced by A.
Protein change: p.Arg778His; replaces arginine 778 with histidine.
Molecular consequence: missense variant.
Genome position (GRCh38, 1-based): chr16:57,912,966, C>T on the plus strand (G>A on the coding strand, the complement: CNGB1 is on the minus strand). VCF-style: chr16-57912966-C-T. GRCh37 (hg19) VCF-style: chr16-57946870-C-T.
Other names: c.2315G>A, p.Arg772His (NM_001286130.2); short protein forms R772H, R778H.
Identifiers: ClinVar variation 844288 (VCV000844288.10), dbSNP rs374491029, ClinGen allele CA8083053.